The following is an entry in ClinVar:

ClinVar aggregate classification (germline): Likely benign (1 of 4 stars; one submission).

gnomAD v4.1: 3 of 1,613,712 alleles (0.00019%); highest among the groups gnomAD compares: African/African-American, 0.0013%; no homozygotes.

Submission:

CeGaT Center for Human Genetics Tuebingen
Classification: Likely benign. Last evaluated: 2025-03-01. Review status: criteria provided, single submitter. Criteria: CeGaT Center For Human Genetics Tuebingen Variant Classification Criteria Version 2. Collection method: clinical testing. Allele origin: germline. Affected: yes. Observed: 1 variant allele.
Comment: JARID2: BP4, BP7

NM_004973.4(JARID2):c.1509G>A (p.Thr503=)

Gene: JARID2 (jumonji and AT-rich interaction domain containing 2; plus strand). Cytogenetic location: 6p22.3.
Variant type: single nucleotide variant.
Coding change: c.1509G>A on transcript NM_004973.4 (MANE Select); coding-DNA position 1509, G replaced by A.
Protein change: p.Thr503=; no amino-acid change (threonine 503 retained).
Molecular consequence: synonymous variant.
Genome position (GRCh38, 1-based): chr6:15,496,734, G>A. VCF-style: chr6-15496734-G-A. GRCh37 (hg19) VCF-style: chr6-15496965-G-A.
Other names: c.993G>A, p.Thr331= (NM_001267040.1).
Identifiers: ClinVar variation 3778430 (VCV003778430.7).
Genomic context (GRCh38, chr6:15,496,734, plus strand): 5'-ACACGTGAAGAAGGAAGTGCCGGAGCGCAGTCTGGAGAGGAATCGGCCGAAGCGGGCCAC[G>A]GCCGGGAAGAGCACGCCAGGCAGACAAGCACATGGCAAGGCGGACAGCGCCTCCTGTGAA-3'
Protein context (NP_004964.2, residues 493-513): SLERNRPKRA[Thr503=]AGKSTPGRQA